The following is an entry in ClinVar:

ClinVar aggregate classification (germline): Likely benign. Review status: criteria provided, multiple submitters, no conflicts (2 of 4 stars). 3 submissions from 3 submitters: Likely benign (3). Last evaluated 2026-01-07.

Conditions:
Immunodeficiency 14 (IMD14A). Also called: p110-DELTA-ACTIVATING MUTATION CAUSING SENESCENT T CELLS, LYMPHADENOPATHY, AND IMMUNODEFICIENCY; Activated PI3K Delta Syndrome Type 1 (APDS1); ACTIVATED PI3K-DELTA SYNDROME 1; IMMUNODEFICIENCY 14A WITH LYMPHOPROLIFERATION, AUTOSOMAL DOMINANT. Identifiers: Orphanet 397596, Orphanet 693661, MedGen C5907821, MONDO:0014222, OMIM 615513.

Allele frequency attached by ClinVar (database versions not stated): gnomAD 0.00001; gnomAD exomes 0.00001; TOPMed 0.00002; ExAC 0.00003.
gnomAD v4.1: 18 of 1,612,888 alleles (0.0011%); highest among the groups gnomAD compares: East Asian, 0.0045%; no homozygotes.

Submissions (3):

Labcorp Genetics (formerly Invitae), Labcorp
Classification: Likely benign for Activated PI3K-delta syndrome. Last evaluated: 2026-01-07. Review status: criteria provided, single submitter. Criteria: Invitae Variant Classification Sherloc (09022015). Collection method: clinical testing. Allele origin: germline.

Mayo Clinic Laboratories, Mayo Clinic
Classification: Likely benign. Last evaluated: 2025-01-08. Review status: criteria provided, single submitter. Criteria: ACMG Guidelines, 2015. Collection method: clinical testing. Allele origin: germline. Observed: 2 variant alleles.
Comment: BP4, BP7

Blueprint Genetics
Classification: Likely benign. Last evaluated: 2021-09-21. Review status: criteria provided, single submitter. Criteria: ACMG Guidelines, 2015. Collection method: clinical testing. Allele origin: germline.

NM_005026.5(PIK3CD):c.1725C>T (p.Pro575=)

Gene: PIK3CD (phosphatidylinositol-4,5-bisphosphate 3-kinase catalytic subunit delta; plus strand). Cytogenetic location: 1p36.22.
Variant type: single nucleotide variant.
Coding change: c.1725C>T on transcript NM_005026.5 (MANE Select); coding-DNA position 1725, C replaced by T.
Protein change: p.Pro575=; no amino-acid change (proline 575 retained).
Molecular consequence: synonymous variant.
Genome position (GRCh38, 1-based): chr1:9,721,162, C>T. VCF-style: chr1-9721162-C-T. GRCh37 (hg19) VCF-style: chr1-9781220-C-T.
Other names: p.Pro575=; c.1722C>T, p.Pro574= (NM_001350234.2); c.1638C>T, p.Pro546= (NM_001350235.1).
Identifiers: ClinVar variation 751431 (VCV000751431.7), dbSNP rs769231256, ClinGen allele CA577313.